The following is an entry in ClinVar:

ClinVar aggregate classification (germline): Uncertain significance (0 of 4 stars; one submission).

Conditions:
TTN-related disorder. Also called: TTN-related condition; TTN-related disease; TTN-related disorders.

Allele frequency attached by ClinVar (database versions not stated): gnomAD 0.00001.
gnomAD v4.1: 2 of 1,613,648 alleles (0.00012%); highest among the groups gnomAD compares: African/African-American, 0.0027%; no homozygotes.

Submission:

PreventionGenetics, part of Exact Sciences
Classification: Uncertain significance for TTN-related condition. Last evaluated: 2023-12-21. Review status: no assertion criteria provided. Collection method: clinical testing. Allele origin: germline.
Comment: The TTN c.148A>C variant is predicted to result in the amino acid substitution p.Thr50Pro. To our knowledge, this variant has not been reported in the literature. This variant is reported in 0.012% of alleles in individuals of African descent in gnomAD. At this time, the clinical significance of this variant is uncertain due to the absence of conclusive functional and genetic evidence.

NM_001267550.2(TTN):c.148A>C (p.Thr50Pro)

Gene: TTN (titin; minus strand). Cytogenetic location: 2q31.2.
Variant type: single nucleotide variant.
Coding change: c.148A>C on transcript NM_001267550.2 (MANE Select); coding-DNA position 148, A replaced by C.
Protein change: p.Thr50Pro; replaces threonine 50 with proline.
Molecular consequence: missense variant.
Genome position (GRCh38, 1-based): chr2:178,802,285, T>G on the plus strand (A>C on the coding strand, the complement: TTN is on the minus strand). VCF-style: chr2-178802285-T-G. GRCh37 (hg19) VCF-style: chr2-179667012-T-G.
Other names: c.148A>C, p.Thr50Pro (NM_001256850.1, NM_003319.4, NM_133378.4 and 3 more transcripts); short protein forms T50P.
Identifiers: ClinVar variation 3050888 (VCV003050888.2), dbSNP rs1217255349, ClinGen allele CA349531275.